The following is an entry in ClinVar:

NM_001048174.2(MUTYH):c.1292C>G (p.Ala431Gly)

Gene: MUTYH (mutY DNA glycosylase; minus strand). Cytogenetic location: 1p34.1.
Variant type: single nucleotide variant.
Coding change: c.1292C>G on transcript NM_001048174.2 (MANE Select); coding-DNA position 1292, C replaced by G.
Protein change: p.Ala431Gly; replaces alanine 431 with glycine.
Molecular consequence: missense variant. On other transcripts: non-coding transcript variant (7).
Genome position (GRCh38, 1-based): chr1:45,331,282, G>C on the plus strand (C>G on the coding strand, the complement: MUTYH is on the minus strand). VCF-style: chr1-45331282-G-C. GRCh37 (hg19) VCF-style: chr1-45796954-G-C.
Other names: c.1292C>G, p.Ala431Gly (NM_001048171.2, NM_001048173.2, NM_001293195.2 and 6 more transcripts); c.1295C>G, p.Ala432Gly (NM_001048172.2, NM_001407086.1, NM_001407071.1 and 1 more transcripts); c.1376C>G, p.Ala459Gly (NM_001128425.2); c.1337C>G, p.Ala446Gly (NM_001293190.2); c.1325C>G, p.Ala442Gly (NM_001293191.2, NM_001407069.1, NM_001407077.1); c.1016C>G, p.Ala339Gly (NM_001293192.2, NM_001293196.2, NM_001407091.1); c.947C>G, p.Ala316Gly (NM_001350650.2, NM_001350651.2, NM_001407082.1); c.1334C>G, p.Ala445Gly (NM_001407083.1, NM_001407085.1); and 5 more; short protein forms A339G, A418G, A442G, A446G, A316G, A403G, A432G, A445G.
Identifiers: ClinVar variation 4113198 (VCV004113198.1).
Genomic context (GRCh38, chr1:45,331,282, plus strand): 5'-TCCTGCGTCAGCCAGCGAGCACCTGGTGGTACGGTGGTCACTGGGGTCTGCCCTTCCAAG[G>C]CCAGCCCATATACTTGATATGTCAGCTTGATGTGAGAGAAGGTGTGGACAACCTGGAGGA-3'
Protein context (NP_001041639.1, residues 421-441): IKLTYQVYGL[Ala431Gly]LEGQTPVTTV

ClinVar aggregate classification (germline): Uncertain significance (1 of 4 stars; one submission).

Conditions:
Hereditary cancer-predisposing syndrome. Also called: Tumor predisposition; Neoplastic Syndromes, Hereditary; Hereditary neoplastic syndrome; Hereditary Cancer Syndrome. Identifiers: Orphanet 140162, MedGen C0027672, MeSH D009386, MONDO:0015356.

Submission:

Ambry Genetics
Classification: Uncertain significance for Hereditary cancer-predisposing syndrome. Last evaluated: 2025-08-27. Review status: criteria provided, single submitter. Criteria: Ambry Variant Classification Scheme 2023. Collection method: clinical testing. Allele origin: germline.
Comment: The p.A459G variant (also known as c.1376C>G), located in coding exon 14 of the MUTYH gene, results from a C to G substitution at nucleotide position 1376. The alanine at codon 459 is replaced by glycine, an amino acid with similar properties. This amino acid position is conserved. In addition, the in silico prediction for this alteration is inconclusive. Based on the available evidence, the clinical significance of this variant remains unclear.